The following is an entry in ClinVar:

NM_016169.4(SUFU):c.430T>G (p.Leu144Val)

Gene: SUFU (SUFU negative regulator of hedgehog signaling; plus strand). Cytogenetic location: 10q24.32.
Variant type: single nucleotide variant.
Coding change: c.430T>G on transcript NM_016169.4 (MANE Select); coding-DNA position 430, T replaced by G.
Protein change: p.Leu144Val; replaces leucine 144 with valine.
Molecular consequence: missense variant.
Genome position (GRCh38, 1-based): chr10:102,550,082, T>G. VCF-style: chr10-102550082-T-G. GRCh37 (hg19) VCF-style: chr10-104309839-T-G.
Other names: c.430T>G, p.Leu144Val (NM_001178133.2); short protein forms L144V.
Identifiers: ClinVar variation 1440619 (VCV001440619.10), dbSNP rs2135743501, ClinGen allele CA377903613.

ClinVar aggregate classification (germline): Uncertain significance. Review status: criteria provided, multiple submitters, no conflicts (2 of 4 stars). 2 submissions from 2 submitters: Uncertain significance (2). Last evaluated 2024-03-04.

Conditions:
Gorlin syndrome. Also called: Basal cell nevus syndrome; Nevoid Basal Cell Carcinoma Syndrome. Identifiers: Orphanet 377, MedGen C0004779, MONDO:0007187.
Medulloblastoma (MDB). Also called: MEDULLOBLASTOMA PREDISPOSITION SYNDROME; Medulloblastoma, somatic. Identifiers: Orphanet 616, MedGen C0025149, MeSH D008527, MONDO:0007959, OMIM 155255, HP:0002885.
Hereditary cancer-predisposing syndrome. Also called: Neoplastic Syndromes, Hereditary; Hereditary Cancer Syndrome; Tumor predisposition; Hereditary neoplastic syndrome. Identifiers: Orphanet 140162, MedGen C0027672, MeSH D009386, MONDO:0015356.

Allele frequency attached by ClinVar (database versions not stated): gnomAD exomes below 0.00001.
gnomAD v4.1: 1 of 1,614,228 alleles (0.000062%); highest among the groups gnomAD compares: Non-Finnish European, 0.000085%; no homozygotes.

Submissions (2):

Ambry Genetics
Classification: Uncertain significance for Hereditary cancer-predisposing syndrome. Last evaluated: 2024-03-04. Review status: criteria provided, single submitter. Criteria: Ambry Variant Classification Scheme 2023. Collection method: clinical testing. Allele origin: germline.
Comment: The p.L144V variant (also known as c.430T>G), located in coding exon 3 of the SUFU gene, results from a T to G substitution at nucleotide position 430. The leucine at codon 144 is replaced by valine, an amino acid with highly similar properties. This amino acid position is highly conserved in available vertebrate species. In addition, this alteration is predicted to be deleterious by in silico analysis. Since supporting evidence is limited at this time, the clinical significance of this alteration remains unclear.

Labcorp Genetics (formerly Invitae), Labcorp
Classification: Uncertain significance for Gorlin syndrome; Medulloblastoma. Last evaluated: 2023-07-29. Review status: criteria provided, single submitter. Criteria: Invitae Variant Classification Sherloc (09022015). Collection method: clinical testing. Allele origin: germline.
Comment: In summary, the available evidence is currently insufficient to determine the role of this variant in disease. Therefore, it has been classified as a Variant of Uncertain Significance. Advanced modeling of protein sequence and biophysical properties (such as structural, functional, and spatial information, amino acid conservation, physicochemical variation, residue mobility, and thermodynamic stability) performed at Invitae indicates that this missense variant is expected to disrupt SUFU protein function. ClinVar contains an entry for this variant (Variation ID: 1440619). This variant has not been reported in the literature in individuals affected with SUFU-related conditions. This variant is not present in population databases (gnomAD no frequency). This sequence change replaces leucine, which is neutral and non-polar, with valine, which is neutral and non-polar, at codon 144 of the SUFU protein (p.Leu144Val).